The following is an entry in ClinVar:

ClinVar aggregate classification (germline): Uncertain significance (1 of 4 stars; one submission).

Conditions:
Neurofibromatosis, type 1 (NF1). Also called: VON RECKLINGHAUSEN DISEASE; NEUROFIBROMATOSIS, TYPE I, SOMATIC; Neurofibromatosis, type I; Peripheral type neurofibromatosis. Identifiers: Orphanet 636, MedGen C0027831, MONDO:0018975, OMIM 162200. Disease mechanism: loss of function.

Allele frequency attached by ClinVar (database versions not stated): gnomAD 0.00001.
gnomAD v4.1: 1 of 1,613,312 alleles (0.000062%); highest among the groups gnomAD compares: African/African-American, 0.0013%; no homozygotes.

Submission:

Labcorp Genetics (formerly Invitae), Labcorp
Classification: Uncertain significance for Neurofibromatosis, type 1. Last evaluated: 2022-07-03. Review status: criteria provided, single submitter. Criteria: Invitae Variant Classification Sherloc (09022015). Collection method: clinical testing. Allele origin: germline.
Comment: In summary, the available evidence is currently insufficient to determine the role of this variant in disease. Therefore, it has been classified as a Variant of Uncertain Significance. Algorithms developed to predict the effect of missense changes on protein structure and function are either unavailable or do not agree on the potential impact of this missense change (SIFT: "Tolerated"; PolyPhen-2: "Probably Damaging"; Align-GVGD: "Class C0"). This variant has not been reported in the literature in individuals affected with NF1-related conditions. This variant is not present in population databases (gnomAD no frequency). This sequence change replaces threonine, which is neutral and polar, with proline, which is neutral and non-polar, at codon 1568 of the NF1 protein (p.Thr1568Pro).

NM_001042492.3(NF1):c.4765A>C (p.Thr1589Pro)

Gene: NF1 (neurofibromin 1; plus strand). Cytogenetic location: 17q11.2.
Variant type: single nucleotide variant.
Coding change: c.4765A>C on transcript NM_001042492.3 (MANE Select); coding-DNA position 4765, A replaced by C.
Protein change: p.Thr1589Pro; replaces threonine 1589 with proline.
Molecular consequence: missense variant.
Genome position (GRCh38, 1-based): chr17:31,265,269, A>C. VCF-style: chr17-31265269-A-C. GRCh37 (hg19) VCF-style: chr17-29592287-A-C.
Other names: c.4702A>C, p.Thr1568Pro (NM_000267.4); short protein forms T1568P, T1589P.
Identifiers: ClinVar variation 2181443 (VCV002181443.4), dbSNP rs2067765502, ClinGen allele CA399001242.
Genomic context (GRCh38, chr17:31,265,269, plus strand): 5'-CTCTGTTATTTTTCTTTTAGGCATCAGGTACATGAAAAAGAAGAATTCAAGGCTTTGAAA[A>C]CGTTAAGTATTTTCTACCAAGCTGGGACTTCCAAAGCTGGGAATCCTATTTTTTATTATG-3'
Protein context (NP_001035957.1, residues 1579-1599): HEKEEFKALK[Thr1589Pro]LSIFYQAGTS